The following is an entry in ClinVar:

NM_006922.4(SCN3A):c.3916T>G (p.Leu1306Val)

Gene: SCN3A (sodium voltage-gated channel alpha subunit 3; minus strand). Cytogenetic location: 2q24.3.
Variant type: single nucleotide variant.
Coding change: c.3916T>G on transcript NM_006922.4 (MANE Select); coding-DNA position 3916, T replaced by G.
Protein change: p.Leu1306Val; replaces leucine 1306 with valine.
Molecular consequence: missense variant.
Genome position (GRCh38, 1-based): chr2:165,100,352, A>C on the plus strand (T>G on the coding strand, the complement: SCN3A is on the minus strand). VCF-style: chr2-165100352-A-C. GRCh37 (hg19) VCF-style: chr2-165956862-A-C.
Other names: c.3769T>G, p.Leu1257Val (NM_001081676.2, NM_001081677.2); short protein forms L1257V, L1306V.
Identifiers: ClinVar variation 4071593 (VCV004071593.1).

ClinVar aggregate classification (germline): Uncertain significance (1 of 4 stars; one submission).

gnomAD v4.1: 3 of 1,613,912 alleles (0.00019%); highest among the groups gnomAD compares: Non-Finnish European, 0.00025%; no homozygotes.

Submission:

GeneDx
Classification: Uncertain significance. Last evaluated: 2025-01-28. Review status: criteria provided, single submitter. Criteria: GeneDx Variant Classification Process June 2021. Collection method: clinical testing. Allele origin: germline. Affected: yes.
Comment: Not observed at significant frequency in large population cohorts (gnomAD); In silico analysis supports that this missense variant has a deleterious effect on protein structure/function; Has not been previously published as pathogenic or benign to our knowledge